The following is an entry in ClinVar:

NM_002181.4(IHH):c.1018G>A (p.Val340Met)

Gene: IHH (Indian hedgehog signaling molecule; minus strand). Cytogenetic location: 2q35.
Variant type: single nucleotide variant.
Coding change: c.1018G>A on transcript NM_002181.4 (MANE Select); coding-DNA position 1018, G replaced by A.
Protein change: p.Val340Met; replaces valine 340 with methionine.
Molecular consequence: missense variant.
Genome position (GRCh38, 1-based): chr2:219,055,425, C>T on the plus strand (G>A on the coding strand, the complement: IHH is on the minus strand). VCF-style: chr2-219055425-C-T. GRCh37 (hg19) VCF-style: chr2-219920147-C-T.
Other names: short protein forms V340M.
Identifiers: ClinVar variation 4072356 (VCV004072356.1).

ClinVar aggregate classification (germline): Likely pathogenic (1 of 4 stars; one submission).

Conditions:
Acromesomelic dysplasia 1, Maroteaux type (AMD1). Also called: ST. HELENA DYSPLASIA; ACROMESOMELIC DYSPLASIA 1. Identifiers: Orphanet 40, MedGen C1864356, MONDO:0011275, OMIM 602875.

Submission:

Human Molecular Genetics Lab, Abdul Wali Khan University Mardan
Classification: Likely pathogenic for Acromesomelic dysplasia 1, Maroteaux type. Last evaluated: 2025-03-15. Review status: criteria provided, single submitter. Criteria: ACMG Guidelines, 2015. Collection method: research. Allele origin: germline. Inheritance: Autosomal recessive inheritance. Affected: yes. Observed: 3 variant alleles, 3 homozygotes. Clinical features observed: Disproportionate short-limb short stature (HP:0008873), Brachydactyly (HP:0001156), Broad palm (HP:0001174), Developmental dysplasia of the hip (HP:0001385), Genu varum (HP:0002970).
Comment: The variant is highly pathogenic and reported only in this consanguineous family with three affected individuals. It was predicted to be deleterious by multiple in silico tools (SIFT, PolyPhen-2, CADD).Conservation studies showed that the wild type amino acid is highly conserved residue in a critical domain. Molecular dynamic Simulations results suggested that p.Val340Met substitution resulted in less tight packing of IHH protein c-terminal auto processing domain and significant structural alterations that might be involved in malfunctioning of the protein and disease onset. So, the identified substitution thought to decrease the compactness of the IHH protein and ultimately reducing the stability.